The following is an entry in ClinVar:

ClinVar aggregate classification (germline): Conflicting classifications of pathogenicity. Review status: criteria provided, conflicting classifications (1 of 4 stars). 3 submissions from 3 submitters: Uncertain significance (1); Likely benign (2). Last evaluated 2025-09-02.

Conditions:
Junctional epidermolysis bullosa with pyloric atresia. Also called: ITGB4-Related Epidermolysis Bullosa with Pyloric Atresia; ITGA6-Related Epidermolysis Bullosa with Pyloric Atresia; EPIDERMOLYSIS BULLOSA, JUNCTIONAL 5B, WITH PYLORIC ATRESIA; APLASIA CUTIS CONGENITA WITH GASTROINTESTINAL ATRESIA; CARMI SYNDROME; EB-PA-ACC. Identifiers: Orphanet 79403, MedGen C5676875, MONDO:0009183, OMIM 226730.

Allele frequency attached by ClinVar (database versions not stated): ExAC 0.00010; gnomAD exomes 0.00010; gnomAD 0.00011; TOPMed 0.00011; ESP Exome Variant Server 0.00015; 1000 Genomes Project 30x 0.00016; 1000 Genomes Project 0.00020.
gnomAD v4.1: 143 of 1,613,914 alleles (0.0089%); highest among the groups gnomAD compares: Middle Eastern, 0.016%; no homozygotes.

Submissions (3):

Labcorp Genetics (formerly Invitae), Labcorp
Classification: Likely benign. Last evaluated: 2025-09-02. Review status: criteria provided, single submitter. Criteria: Invitae Variant Classification Sherloc (09022015). Collection method: clinical testing. Allele origin: germline.

GeneDx
Classification: Likely benign. Last evaluated: 2018-04-30. Review status: criteria provided, single submitter. Criteria: GeneDx Variant Classification (06012015). Collection method: clinical testing. Allele origin: germline. Affected: yes.
Comment: This variant is considered likely benign or benign based on one or more of the following criteria: it is a conservative change, it occurs at a poorly conserved position in the protein, it is predicted to be benign by multiple in silico algorithms, and/or has population frequency not consistent with disease.

Illumina Laboratory Services, Illumina
Classification: Uncertain significance for Junctional epidermolysis bullosa with pyloric atresia. Last evaluated: 2018-01-13. Review status: criteria provided, single submitter. Criteria: ICSL Variant Classification Criteria 13 December 2019. Collection method: clinical testing. Allele origin: germline.

NM_000213.5(ITGB4):c.2784C>T (p.Asp928=)

Gene: ITGB4 (integrin subunit beta 4; plus strand). Cytogenetic location: 17q25.1.
Variant type: single nucleotide variant.
Coding change: c.2784C>T on transcript NM_000213.5 (MANE Select); coding-DNA position 2784, C replaced by T.
Protein change: p.Asp928=; no amino-acid change (aspartic acid 928 retained).
Molecular consequence: synonymous variant.
Genome position (GRCh38, 1-based): chr17:75,742,583, C>T. VCF-style: chr17-75742583-C-T. GRCh37 (hg19) VCF-style: chr17-73738664-C-T.
Other names: c.2784C>T, p.Asp928= (NM_001005619.2, NM_001005731.3, NM_001321123.2).
Identifiers: ClinVar variation 325169 (VCV000325169.14), dbSNP rs201900480, ClinGen allele CA8769588.